The following is an entry in ClinVar:

ClinVar aggregate classification (germline): Uncertain significance (1 of 4 stars; one submission).

Conditions:
NCOA1-related disorder. Also called: NCOA1-related condition.

Submission:

PreventionGenetics, part of Exact Sciences
Classification: Uncertain significance for NCOA1-related condition. Last evaluated: 2025-01-13. Review status: criteria provided, single submitter. Criteria: ACMG Guidelines, 2015. Collection method: clinical testing. Allele origin: germline.
Comment: The NCOA1 c.4264T>C variant is predicted to result in the amino acid substitution p.Ser1422Pro. To our knowledge, this variant has not been reported in the literature or in a large population database (gnomAD), indicating this variant is rare. At this time, the clinical significance of this variant is uncertain due to the absence of conclusive functional and genetic evidence.

NM_003743.5(NCOA1):c.4264T>C (p.Ser1422Pro)

Gene: NCOA1 (nuclear receptor coactivator 1; plus strand). Cytogenetic location: 2p23.3.
Variant type: single nucleotide variant.
Coding change: c.4264T>C on transcript NM_003743.5 (MANE Select); coding-DNA position 4264, T replaced by C.
Protein change: p.Ser1422Pro; replaces serine 1422 with proline.
Molecular consequence: missense variant. On other transcripts: 3 prime UTR variant (5).
Genome position (GRCh38, 1-based): chr2:24,768,329, T>C. VCF-style: chr2-24768329-T-C. GRCh37 (hg19) VCF-style: chr2-24991198-T-C.
Other names: c.*121T>C (NM_001362950.1, NM_001362952.1, NM_001362955.1 and 1 more transcripts); c.*118T>C (NM_001362954.1); c.4261T>C, p.Ser1421Pro (NM_147233.2); short protein forms S1421P, S1422P.
Identifiers: ClinVar variation 4986283 (VCV004986283.1).
Genomic context (GRCh38, chr2:24,768,329, plus strand): 5'-CTGGTAGGCGGGGACCCTTACCTGAACCAGCCTGGTCCACTGGGAACTCAAAAGCCCACG[T>C]CAGGACCACAGACCCCCCAGGCCCAGCAGAAGAGCCTCCTTCAGCAGCTACTGACTGAAT-3'
Protein context (NP_003734.3, residues 1412-1432): PGPLGTQKPT[Ser1422Pro]GPQTPQAQQK